The following is an entry in ClinVar:

NM_001163435.3(TBCK):c.1810C>T (p.His604Tyr)

Gene: TBCK (TBC1 domain containing kinase; minus strand). Cytogenetic location: 4q24.
Variant type: single nucleotide variant.
Coding change: c.1810C>T on transcript NM_001163435.3 (MANE Select); coding-DNA position 1810, C replaced by T.
Protein change: p.His604Tyr; replaces histidine 604 with tyrosine.
Molecular consequence: missense variant.
Genome position (GRCh38, 1-based): chr4:106,212,800, G>A on the plus strand (C>T on the coding strand, the complement: TBCK is on the minus strand). VCF-style: chr4-106212800-G-A. GRCh37 (hg19) VCF-style: chr4-107133957-G-A.
Other names: c.1810C>T, p.His604Tyr (NM_001163436.4); c.1693C>T, p.His565Tyr (NM_001163437.3); c.1294C>T, p.His432Tyr (NM_001290768.2); c.1621C>T, p.His541Tyr (NM_033115.5); short protein forms H604Y, H541Y, H432Y, H565Y.
Identifiers: ClinVar variation 1923166 (VCV001923166.5), dbSNP rs967950866, ClinGen allele CA102821322.
Genomic context (GRCh38, chr4:106,212,800, plus strand): 5'-AAGTACTTACATCTGGAATGAAACCAATCTCATTGAGATGATTACTCAGCTCTGGATCAT[G>A]AAATGCAATCATCTGAGAGAAGACAGTCAGATACTCTGAAATTACAAAGTTTGAGACAAT-3'
Protein context (NP_001156907.2, residues 594-614): LTVFSQMIAF[His604Tyr]DPELSNHLNE

ClinVar aggregate classification (germline): Uncertain significance (1 of 4 stars; one submission).

Allele frequency attached by ClinVar (database versions not stated): TOPMed below 0.00001; gnomAD 0.00001.
gnomAD v4.1: 1 of 1,612,446 alleles (0.000062%); highest among the groups gnomAD compares: Non-Finnish European, 0.000085%; no homozygotes.

Submission:

Labcorp Genetics (formerly Invitae), Labcorp
Classification: Uncertain significance. Last evaluated: 2023-07-17. Review status: criteria provided, single submitter. Criteria: Invitae Variant Classification Sherloc (09022015). Collection method: clinical testing. Allele origin: germline.
Comment: ClinVar contains an entry for this variant (Variation ID: 1923166). In summary, the available evidence is currently insufficient to determine the role of this variant in disease. Therefore, it has been classified as a Variant of Uncertain Significance. Advanced modeling of protein sequence and biophysical properties (such as structural, functional, and spatial information, amino acid conservation, physicochemical variation, residue mobility, and thermodynamic stability) performed at Invitae indicates that this missense variant is not expected to disrupt TBCK protein function. This variant has not been reported in the literature in individuals affected with TBCK-related conditions. This variant is not present in population databases (gnomAD no frequency). This sequence change replaces histidine, which is basic and polar, with tyrosine, which is neutral and polar, at codon 604 of the TBCK protein (p.His604Tyr).